The following is an entry in ClinVar:

ClinVar aggregate classification (germline): Uncertain significance (1 of 4 stars; one submission).

Conditions:
Muscle AMP deaminase deficiency (MMDD). Also called: AMPD1 DEFICIENCY; Myoadenylate deaminase deficiency, myopathy due to; Adenosine monophosphate deaminase 1 deficiency; AMP deaminase 1 deficiency; Adenosine Monophosphate Deaminase 1; ADENOSINE MONOPHOSPHATE DEAMINASE-1 DEFICIENCY, MYOPATHY DUE TO. Identifiers: Orphanet 45, MedGen C3714933, MONDO:0014220, OMIM 615511.

Allele frequency attached by ClinVar (database versions not stated): gnomAD 0.00001.
gnomAD v4.1: 8 of 1,613,410 alleles (0.0005%); highest among the groups gnomAD compares: Non-Finnish European, 0.00068%; no homozygotes.

Submission:

Labcorp Genetics (formerly Invitae), Labcorp
Classification: Uncertain significance for Muscle AMP deaminase deficiency. Last evaluated: 2021-12-02. Review status: criteria provided, single submitter. Criteria: Invitae Variant Classification Sherloc (09022015). Collection method: clinical testing. Allele origin: germline.
Comment: In summary, the available evidence is currently insufficient to determine the role of this variant in disease. Therefore, it has been classified as a Variant of Uncertain Significance. Algorithms developed to predict the effect of missense changes on protein structure and function (SIFT, PolyPhen-2, Align-GVGD) all suggest that this variant is likely to be disruptive. This variant has not been reported in the literature in individuals affected with AMPD1-related conditions. This variant is present in population databases (no rsID available, gnomAD 0.002%). This sequence change replaces alanine, which is neutral and non-polar, with proline, which is neutral and non-polar, at codon 437 of the AMPD1 protein (p.Ala437Pro).

NM_000036.3(AMPD1):c.1210G>C (p.Ala404Pro)

Gene: AMPD1 (adenosine monophosphate deaminase 1; minus strand). Cytogenetic location: 1p13.2.
Variant type: single nucleotide variant.
Coding change: c.1210G>C on transcript NM_000036.3 (MANE Select); coding-DNA position 1210, G replaced by C.
Protein change: p.Ala404Pro; replaces alanine 404 with proline.
Molecular consequence: missense variant.
Genome position (GRCh38, 1-based): chr1:114,677,924, C>G on the plus strand (G>C on the coding strand, the complement: AMPD1 is on the minus strand). VCF-style: chr1-114677924-C-G. GRCh37 (hg19) VCF-style: chr1-115220545-C-G.
Other names: c.1198G>C, p.Ala400Pro (NM_001172626.2); short protein forms A404P, A400P.
Identifiers: ClinVar variation 1405286 (VCV001405286.6), dbSNP rs762722076, ClinGen allele CA341748970.